The following is an entry in ClinVar:

ClinVar aggregate classification (germline): Benign (0 of 4 stars; one submission).

Conditions:
KRT12-related disorder. Also called: KRT12-related condition.

Allele frequency attached by ClinVar (database versions not stated): 1000 Genomes Project 30x 0.00078; 1000 Genomes Project 0.00080.
gnomAD v4.1: 124 of 1,601,866 alleles (0.0077%); highest among the groups gnomAD compares: East Asian, 0.17%; 1 homozygote.

Submission:

PreventionGenetics, part of Exact Sciences
Classification: Benign for KRT12-related condition. Last evaluated: 2019-12-06. Review status: no assertion criteria provided. Collection method: clinical testing. Allele origin: germline.
Comment: This variant is classified as benign based on ACMG/AMP sequence variant interpretation guidelines (Richards et al. 2015 PMID: 25741868, with internal and published modifications).

NM_000223.4(KRT12):c.160G>A (p.Gly54Arg)

Gene: KRT12 (keratin 12; minus strand). Cytogenetic location: 17q21.2.
Variant type: single nucleotide variant.
Coding change: c.160G>A on transcript NM_000223.4 (MANE Select); coding-DNA position 160, G replaced by A.
Protein change: p.Gly54Arg; replaces glycine 54 with arginine.
Molecular consequence: missense variant.
Genome position (GRCh38, 1-based): chr17:40,867,027, C>T on the plus strand (G>A on the coding strand, the complement: KRT12 is on the minus strand). VCF-style: chr17-40867027-C-T. GRCh37 (hg19) VCF-style: chr17-39023279-C-T.
Other names: short protein forms G54R.
Identifiers: ClinVar variation 3048993 (VCV003048993.2), dbSNP rs141949869, ClinGen allele CA8548948.